The following is an entry in ClinVar:

NM_000535.7(PMS2):c.230A>G (p.Glu77Gly)

Gene: PMS2 (PMS1 homolog 2, mismatch repair system component; minus strand). Cytogenetic location: 7p22.1.
Variant type: single nucleotide variant.
Coding change: c.230A>G on transcript NM_000535.7 (MANE Select); coding-DNA position 230, A replaced by G.
Protein change: p.Glu77Gly; replaces glutamic acid 77 with glycine.
Molecular consequence: missense variant. On other transcripts: 5 prime UTR variant (37), synonymous variant (7), non-coding transcript variant (1), intron variant (1).
Genome position (GRCh38, 1-based): chr7:6,003,992, T>C on the plus strand (A>G on the coding strand, the complement: PMS2 is on the minus strand). VCF-style: chr7-6003992-T-C. GRCh37 (hg19) VCF-style: chr7-6043623-T-C.
Other names: c.-176A>G (NM_001018040.1, NM_001322003.2, NM_001322004.2 and 14 more transcripts); c.230A>G, p.Glu77Gly (NM_001322006.2, NM_001322014.2, NM_001406868.1 and 10 more transcripts); c.15A>G, p.Arg5= (NM_001322007.2, NM_001322008.2, NM_001406876.1 and 4 more transcripts); c.-655A>G (NM_001322011.2, NM_001322012.2); c.-255A>G (NM_001322015.2, NM_001406875.1, NM_001406877.1 and 3 more transcripts); c.416A>G, p.Glu139Gly (NM_001406866.1); c.-202A>G (NM_001406880.1); c.-152A>G (NM_001406881.1, NM_001406900.1); and 3 more; short protein forms E77G, E139G.
Identifiers: ClinVar variation 2831111 (VCV002831111.3), dbSNP rs777095030, ClinGen allele CA366744794.
Genomic context (GRCh38, chr7:6,003,992, plus strand): 5'-CCCAATTATTTTATAATAGGATTAGAAAAAGTCAACTTACTTAAGCCTTCGAAGTTTTCT[T>C]CTTCTACCCCACATCCATTGTCTGAAACTTCAATAAGATCCACTCCATAGTCCTTAAGCT-3'
Protein context (NP_000526.2, residues 67-87): EVSDNGCGVE[Glu77Gly]ENFEGLTLKH

ClinVar aggregate classification (germline): Uncertain significance (1 of 4 stars; one submission).

Conditions:
Hereditary nonpolyposis colorectal neoplasms. Identifiers: MedGen C0009405, MeSH D003123.

Submission:

Labcorp Genetics (formerly Invitae), Labcorp
Classification: Uncertain significance for Hereditary nonpolyposis colorectal neoplasms. Last evaluated: 2023-01-22. Review status: criteria provided, single submitter. Criteria: Invitae Variant Classification Sherloc (09022015). Collection method: clinical testing. Allele origin: germline.
Comment: In summary, the available evidence is currently insufficient to determine the role of this variant in disease. Therefore, it has been classified as a Variant of Uncertain Significance. Advanced modeling of protein sequence and biophysical properties (such as structural, functional, and spatial information, amino acid conservation, physicochemical variation, residue mobility, and thermodynamic stability) performed at Invitae indicates that this missense variant is expected to disrupt PMS2 protein function. This variant has not been reported in the literature in individuals affected with PMS2-related conditions. This variant is not present in population databases (gnomAD no frequency). This sequence change replaces glutamic acid, which is acidic and polar, with glycine, which is neutral and non-polar, at codon 77 of the PMS2 protein (p.Glu77Gly).